The following is an entry in ClinVar:

ClinVar aggregate classification (germline): Uncertain significance (1 of 4 stars; one submission).

Submission:

GeneDx
Classification: Uncertain significance. Last evaluated: 2023-02-08. Review status: criteria provided, single submitter. Criteria: GeneDx Variant Classification Process June 2021. Collection method: clinical testing. Allele origin: germline. Affected: yes.
Comment: Not observed at significant frequency in large population cohorts (gnomAD); Nonsense variant predicted to result in protein truncation as the last 31 amino acids are lost; Has not been previously published as pathogenic or benign to our knowledge

NM_006180.6(NTRK2):c.2422C>T (p.Arg808Ter)

Gene: NTRK2 (neurotrophic receptor tyrosine kinase 2; plus strand). Cytogenetic location: 9q21.33.
Variant type: single nucleotide variant.
Coding change: c.2422C>T on transcript NM_006180.6 (MANE Select); coding-DNA position 2422, C replaced by T.
Protein change: p.Arg808Ter; replaces arginine 808 with a stop codon.
Molecular consequence: nonsense.
Genome position (GRCh38, 1-based): chr9:85,021,342, C>T. VCF-style: chr9-85021342-C-T. GRCh37 (hg19) VCF-style: chr9-87636257-C-T.
Other names: c.2374C>T, p.Arg792Ter (NM_001018064.3, NM_001369532.1, NM_001369533.1); c.2338C>T, p.Arg780Ter (NM_001369534.1); c.1906C>T, p.Arg636Ter (NM_001369535.1); c.1954C>T, p.Arg652Ter (NM_001369536.1); c.2422C>T, p.Arg808Ter (NM_001381928.1); short protein forms R636*, R652*, R780*, R792*, R808*.
Identifiers: ClinVar variation 2575764 (VCV002575764.1), dbSNP rs2118010537, ClinGen allele CA374009166.